The following is an entry in ClinVar:

ClinVar aggregate classification (germline): Uncertain significance (1 of 4 stars; one submission).

Conditions:
Hajdu-Cheney syndrome (HJCYS). Also called: Acroosteolysis dominant type; SERPENTINE FIBULA-POLYCYSTIC KIDNEY SYNDROME; ACROOSTEOLYSIS WITH OSTEOPOROSIS AND CHANGES IN SKULL AND MANDIBLE. Identifiers: Orphanet 955, MedGen C0917715, MONDO:0007057, OMIM 102500.

gnomAD v4.1: 1 of 1,613,810 alleles (0.000062%); highest among the groups gnomAD compares: Non-Finnish European, 0.000085%; no homozygotes.

Submission:

Labcorp Genetics (formerly Invitae), Labcorp
Classification: Uncertain significance for Hajdu-Cheney syndrome. Last evaluated: 2026-01-29. Review status: criteria provided, single submitter. Criteria: Invitae Variant Classification Sherloc (09022015). Collection method: clinical testing. Allele origin: germline.
Comment: This sequence change replaces alanine, which is neutral and non-polar, with valine, which is neutral and non-polar, at codon 1893 of the NOTCH2 protein (p.Ala1893Val). This variant is not present in population databases (gnomAD no frequency). This variant has not been reported in the literature in individuals affected with NOTCH2-related conditions. Invitae Evidence Modeling of protein sequence and biophysical properties (such as structural, functional, and spatial information, amino acid conservation, physicochemical variation, residue mobility, and thermodynamic stability) has been performed for this missense variant. However, the output from this modeling did not meet the statistical confidence thresholds required to predict the impact of this variant on NOTCH2 protein function. In summary, the available evidence is currently insufficient to determine the role of this variant in disease. Therefore, it has been classified as a Variant of Uncertain Significance.

NM_024408.4(NOTCH2):c.5678C>T (p.Ala1893Val)

Gene: NOTCH2 (notch receptor 2; minus strand). Cytogenetic location: 1p12.
Variant type: single nucleotide variant.
Coding change: c.5678C>T on transcript NM_024408.4 (MANE Select); coding-DNA position 5678, C replaced by T.
Protein change: p.Ala1893Val; replaces alanine 1893 with valine.
Molecular consequence: missense variant.
Genome position (GRCh38, 1-based): chr1:119,919,415, G>A on the plus strand (C>T on the coding strand, the complement: NOTCH2 is on the minus strand). VCF-style: chr1-119919415-G-A. GRCh37 (hg19) VCF-style: chr1-120462038-G-A.
Other names: short protein forms A1893V.
Identifiers: ClinVar variation 4769483 (VCV004769483.1).